The following is an entry in ClinVar:

NM_006767.4(LZTR1):c.1997T>C (p.Phe666Ser)

Gene: LZTR1 (leucine zipper like post translational regulator 1; plus strand). Cytogenetic location: 22q11.21.
Variant type: single nucleotide variant.
Coding change: c.1997T>C on transcript NM_006767.4 (MANE Select); coding-DNA position 1997, T replaced by C.
Protein change: p.Phe666Ser; replaces phenylalanine 666 with serine.
Molecular consequence: missense variant.
Genome position (GRCh38, 1-based): chr22:20,995,800, T>C. VCF-style: chr22-20995800-T-C. GRCh37 (hg19) VCF-style: chr22-21350089-T-C.
Other names: short protein forms F666S.
Identifiers: ClinVar variation 4101902 (VCV004101902.1).

ClinVar aggregate classification (germline): Uncertain significance (1 of 4 stars; one submission).

Conditions:
Cardiovascular phenotype. Identifiers: MedGen CN230736.
Hereditary cancer-predisposing syndrome. Also called: Tumor predisposition; Neoplastic Syndromes, Hereditary; Hereditary neoplastic syndrome; Hereditary Cancer Syndrome. Identifiers: Orphanet 140162, MedGen C0027672, MeSH D009386, MONDO:0015356.

Submission:

Ambry Genetics
Classification: Uncertain significance for Cardiovascular phenotype; Hereditary cancer-predisposing syndrome. Last evaluated: 2025-07-18. Review status: criteria provided, single submitter. Criteria: Ambry Variant Classification Scheme 2023. Collection method: clinical testing. Allele origin: germline.
Comment: The p.F666S variant (also known as c.1997T>C), located in coding exon 17 of the LZTR1 gene, results from a T to C substitution at nucleotide position 1997. The phenylalanine at codon 666 is replaced by serine, an amino acid with highly dissimilar properties. This amino acid position is conserved. In addition, this alteration is predicted to be deleterious by in silico analysis. Based on the available evidence, the clinical significance of this variant remains unclear.